The following is an entry in ClinVar:

NM_153006.3(NAGS):c.572A>G (p.Glu191Gly)

Gene: NAGS (N-acetylglutamate synthase; plus strand). Cytogenetic location: 17q21.31.
Variant type: single nucleotide variant.
Coding change: c.572A>G on transcript NM_153006.3 (MANE Select); coding-DNA position 572, A replaced by G.
Protein change: p.Glu191Gly; replaces glutamic acid 191 with glycine.
Molecular consequence: missense variant.
Genome position (GRCh38, 1-based): chr17:44,005,782, A>G. VCF-style: chr17-44005782-A-G. GRCh37 (hg19) VCF-style: chr17-42083150-A-G.
Other names: short protein forms E191G.
Identifiers: ClinVar variation 1488857 (VCV001488857.5), dbSNP rs778797257, ClinGen allele CA8595170.

ClinVar aggregate classification (germline): Uncertain significance (1 of 4 stars; one submission).

Conditions:
Hyperammonemia, type III (NAGSD). Also called: Hyperammonemia due to N-acetylglutamate synthase deficiency. Identifiers: Orphanet 927, MedGen C0268543, MONDO:0009377, OMIM 237310.

Allele frequency attached by ClinVar (database versions not stated): TOPMed 0.00001; gnomAD exomes 0.00002 and 0.00001; ExAC 0.00005.

Submission:

Labcorp Genetics (formerly Invitae), Labcorp
Classification: Uncertain significance for Hyperammonemia, type III. Last evaluated: 2022-03-29. Review status: criteria provided, single submitter. Criteria: Invitae Variant Classification Sherloc (09022015). Collection method: clinical testing. Allele origin: germline.
Comment: This sequence change replaces glutamic acid, which is acidic and polar, with glycine, which is neutral and non-polar, at codon 191 of the NAGS protein (p.Glu191Gly). The frequency data for this variant in the population databases is considered unreliable, as metrics indicate poor data quality at this position in the gnomAD database. This variant has not been reported in the literature in individuals affected with NAGS-related conditions. Algorithms developed to predict the effect of missense changes on protein structure and function (SIFT, PolyPhen-2, Align-GVGD) all suggest that this variant is likely to be tolerated. In summary, the available evidence is currently insufficient to determine the role of this variant in disease. Therefore, it has been classified as a Variant of Uncertain Significance.